The following is an entry in ClinVar:

ClinVar aggregate classification (germline): Pathogenic/Likely pathogenic. Review status: criteria provided, multiple submitters, no conflicts (2 of 4 stars). 6 submissions from 6 submitters: Pathogenic (2); Likely pathogenic (1). 3 of the submissions do not count toward it. Last evaluated 2026-07-08.

Conditions:
Lamellar ichthyosis. Identifiers: Orphanet 313, MedGen C5848247, MONDO:0017778.
Congenital ichthyosiform erythroderma. Identifiers: MedGen C0079583, HP:0007431.
Autosomal recessive congenital ichthyosis 10 (ARCI10). Identifiers: Orphanet 79394, MedGen C3554355, MONDO:0014011, OMIM 615024.

Allele frequency attached by ClinVar (database versions not stated): ExAC 0.00002; gnomAD exomes 0.00001 and 0.00002; gnomAD 0.00003.
gnomAD v4.1: 23 of 1,325,798 alleles (0.0017%); highest among the groups gnomAD compares: Admixed American, 0.0022%; no homozygotes.

Submissions (6):

GeneDx
Classification: Likely pathogenic. Last evaluated: 2026-07-08. Review status: criteria provided, single submitter. Criteria: GeneDx Variant Classification Process June 2021. Collection method: clinical testing. Allele origin: germline.
Comment: Not observed at significant frequency in large population cohorts (gnomAD); In silico analysis supports that this missense variant has a deleterious effect on protein structure/function; This variant is associated with the following publications: (PMID: 31120544, 28369476, 35893253, 28093717, 3757302, 28403545)

Fulgent Genetics
Classification: Pathogenic for Autosomal recessive congenital ichthyosis 10. Last evaluated: 2024-05-15. Review status: criteria provided, single submitter. Criteria: ACMG Guidelines, 2015. Collection method: clinical testing. Allele origin: germline.

Women's Health and Genetics/Laboratory Corporation of America, LabCorp
Classification: Pathogenic for Lamellar ichthyosis. Last evaluated: 2024-05-13. Review status: criteria provided, single submitter. Criteria: LabCorp Variant Classification Summary - May 2015. Collection method: clinical testing. Allele origin: germline.
Comment: Variant summary: PNPLA1 c.418T>C (p.Ser140Pro) results in a non-conservative amino acid change located in the patatin-like phospholipase domain (IPR002641) of the encoded protein sequence. Four of five in-silico tools predict a damaging effect of the variant on protein function. The variant allele was found at a frequency of 8.2e-06 in 242832 control chromosomes. c.418T>C has been reported in the literature as a biallelic genotype in multiple individuals affected with Lamellar Ichthyosis and has been found to segregate with disease in at least one family (e.g. Pichery_2017, Zimmer_2017, Boyden_2017). These data indicate that the variant is very likely to be associated with disease. To our knowledge, no experimental evidence demonstrating an impact on protein function has been reported. The following publications have been ascertained in the context of this evaluation (PMID: 28403545, 28369476, 28093717). ClinVar contains an entry for this variant (Variation ID: 375256). Based on the evidence outlined above, the variant was classified as pathogenic.

OMIM
Classification: Pathogenic for ICHTHYOSIS, CONGENITAL, AUTOSOMAL RECESSIVE 10. Last evaluated: 2019-06-10. Review status: no assertion criteria provided. Collection method: literature only. Allele origin: germline. Not counted in ClinVar's aggregate classification.

Yale Center for Mendelian Genomics, Yale University
Classification: Pathogenic for Congenital ichthyosis. Last evaluated: 2017-06-07. Review status: no assertion criteria provided. Collection method: literature only. Allele origin: de novo. Affected: yes. Observed: 2 compound heterozygotes, 2 homozygotes. Not counted in ClinVar's aggregate classification.

Unité de Différenciation Epithéliale et Auto-Immunité Rhumatoïde, INSERM - Université Paul Sabatier
Classification: Likely pathogenic for Autosomal recessive congenital ichthyosis 10. Review status: no assertion criteria provided. Collection method: research, provider interpretation. Allele origin: germline. Inheritance: Autosomal recessive inheritance. Affected: yes and no. Observed: 6 variant alleles, 2 heterozygotes, 4 compound heterozygotes. Not counted in ClinVar's aggregate classification.
Comment: This variant has been seen as a compound heterozygote in 2 differents families in association with the variant c.[820_820delC],[p.Arg274Glyfs*7]; or with the variant c.[266C>T], [p.Pro89Leu].

Literature cited by the submitters: PubMed 28093717 (cited by Women's Health and Genetics/Laboratory Corporation of America, LabCorp); PubMed 28369476 (cited by Women's Health and Genetics/Laboratory Corporation of America, LabCorp and Unité de Différenciation Epithéliale et Auto-Immunité Rhumatoïde, INSERM - Université Paul Sabatier); PubMed 28403545 (cited by 3 submitters); PubMed 3757302 (cited by OMIM).

NM_001374623.1(PNPLA1):c.418T>C (p.Ser140Pro)

Gene: PNPLA1 (patatin like domain 1, omega-hydroxyceramide transacylase; plus strand). Cytogenetic location: 6p21.31.
Variant type: single nucleotide variant.
Coding change: c.418T>C on transcript NM_001374623.1 (MANE Select); coding-DNA position 418, T replaced by C.
Protein change: p.Ser140Pro; replaces serine 140 with proline.
Molecular consequence: missense variant.
Genome position (GRCh38, 1-based): chr6:36,291,532, T>C. VCF-style: chr6-36291532-T-C. GRCh37 (hg19) VCF-style: chr6-36259309-T-C.
Other names: c.418T>C, p.Ser140Pro (NM_001145717.1); c.133T>C, p.Ser45Pro (NM_001145716.2, NM_173676.2); short protein forms S140P, S45P.
Identifiers: ClinVar variation 375256 (VCV000375256.8), dbSNP rs781053760, ClinGen allele CA3777677.
Genomic context (GRCh38, chr6:36,291,532, plus strand): 5'-CTCCATGTGAGCCTCACCCGCTTAACGGACGGGGAGAATGTGGTGGTTTCAGAGTTCACG[T>C]CCAAGGAGGAGCTCATTGAGGCAAGGGGGCTGGGCTGGGAGGGAGGGACACGGAGGGGGC-3'
Protein context (NP_001361552.1, residues 130-150): GENVVVSEFT[Ser140Pro]KEELIEALYC